The following is an entry in ClinVar:

ClinVar aggregate classification (germline): Benign/Likely benign. Review status: criteria provided, multiple submitters, no conflicts (2 of 4 stars). 7 submissions from 7 submitters: Benign (3); Likely benign (2). 2 of the submissions do not count toward it. Last evaluated 2026-02-01.

Conditions:
Focal segmental glomerulosclerosis 4, susceptibility to (FSGS4). Identifiers: Orphanet 84271, MedGen C2675525, MONDO:0012931, OMIM 612551.

Allele frequency attached by ClinVar (database versions not stated): ESP Exome Variant Server 0.00177; gnomAD 0.00220; TOPMed 0.00235; 1000 Genomes Project 0.00260; 1000 Genomes Project 30x 0.00265; gnomAD exomes 0.00312.
gnomAD v4.1: 4,909 of 1,613,798 alleles (0.3%); highest among the groups gnomAD compares: East Asian, 1.1%; 17 homozygotes.

Submissions (7):

Labcorp Genetics (formerly Invitae), Labcorp
Classification: Benign. Last evaluated: 2026-02-01. Review status: criteria provided, single submitter. Criteria: Invitae Variant Classification Sherloc (09022015). Collection method: clinical testing. Allele origin: germline.

CeGaT Center for Human Genetics Tuebingen
Classification: Benign. Last evaluated: 2025-10-01. Review status: criteria provided, single submitter. Criteria: CeGaT Center For Human Genetics Tuebingen Variant Classification Criteria Version 2. Collection method: clinical testing. Allele origin: germline. Affected: yes. Observed: 1 variant allele.
Comment: APOL1: BP4, BP7, BS1, BS2

Blueprint Genetics
Classification: Likely benign. Last evaluated: 2024-10-23. Review status: criteria provided, single submitter. Criteria: ACMG Guidelines, 2015. Collection method: clinical testing. Allele origin: germline.

Fulgent Genetics
Classification: Likely benign for Focal segmental glomerulosclerosis 4, susceptibility to. Last evaluated: 2021-08-12. Review status: criteria provided, single submitter. Criteria: ACMG Guidelines, 2015. Collection method: clinical testing. Allele origin: unknown.

Breakthrough Genomics
Classification: Benign. Review status: criteria provided, single submitter. Criteria: ACMG Guidelines, 2015. Collection method: not provided. Allele origin: germline. Inheritance: Unknown mechanism. Affected: yes.

Clinical Genetics DNA and cytogenetics Diagnostics Lab, Erasmus MC, Erasmus Medical Center
Classification: Likely benign. Review status: no assertion criteria provided. Collection method: clinical testing. Allele origin: germline. Affected: yes. Study: VKGL Data-share Consensus. Not counted in ClinVar's aggregate classification.

Genome Diagnostics Laboratory, University Medical Center Utrecht
Classification: Likely benign. Review status: no assertion criteria provided. Collection method: clinical testing. Allele origin: germline. Affected: yes. Study: VKGL Data-share Consensus. Not counted in ClinVar's aggregate classification.

NM_003661.4(APOL1):c.573C>T (p.Leu191=)

Gene: APOL1 (apolipoprotein L1; plus strand). Cytogenetic location: 22q12.3.
Variant type: single nucleotide variant.
Coding change: c.573C>T on transcript NM_003661.4 (MANE Select); coding-DNA position 573, C replaced by T.
Protein change: p.Leu191=; no amino-acid change (leucine 191 retained).
Molecular consequence: synonymous variant.
Genome position (GRCh38, 1-based): chr22:36,265,409, C>T. VCF-style: chr22-36265409-C-T. GRCh37 (hg19) VCF-style: chr22-36661455-C-T.
Other names: c.573C>T, p.Leu191= (NM_001136540.2); c.519C>T, p.Leu173= (NM_001136541.2, NM_001362927.2); c.621C>T, p.Leu207= (NM_145343.3).
Identifiers: ClinVar variation 717758 (VCV000717758.20), dbSNP rs150846072, ClinGen allele CA10208707.